The following is an entry in ClinVar:

ClinVar aggregate classification (germline): Likely benign. Review status: criteria provided, single submitter (1 of 4 stars). 2 submissions from 2 submitters: Likely benign (1). 1 of the submissions does not count toward it. Last evaluated 2025-01-27.

Conditions:
TBXAS1-related disorder. Also called: TBXAS1-related condition.

Allele frequency attached by ClinVar (database versions not stated): TOPMed 0.00011; ExAC 0.00012; gnomAD 0.00012 and 0.00014; gnomAD exomes 0.00029 and 0.00014; ESP Exome Variant Server 0.00015.
gnomAD v4.1: 435 of 1,614,010 alleles (0.027%); highest among the groups gnomAD compares: Non-Finnish European, 0.036%; no homozygotes.

Submissions (3):

Labcorp Genetics (formerly Invitae), Labcorp
Classification: Likely benign. Last evaluated: 2025-01-27. Review status: criteria provided, single submitter. Criteria: Invitae Variant Classification Sherloc (09022015). Collection method: clinical testing. Allele origin: germline.

PreventionGenetics, part of Exact Sciences
Classification: Likely benign for TBXAS1-related condition. Last evaluated: 2019-05-08. Review status: no assertion criteria provided. Collection method: clinical testing. Allele origin: germline. Not counted in ClinVar's aggregate classification.
Comment: This variant is classified as likely benign based on ACMG/AMP sequence variant interpretation guidelines (Richards et al. 2015 PMID: 25741868, with internal and published modifications).

Dr. Peter K. Rogan Lab, Western University
No classification provided (evidence only). Condition: Acute myeloid leukemia. Review status: no classification provided. Collection method: in vitro. Allele origin: not applicable. Functional consequence: retained intron. Not counted in ClinVar's aggregate classification.

NM_001061.7(TBXAS1):c.414C>G (p.Ala138=)

Gene: TBXAS1 (thromboxane A synthase 1; plus strand). Cytogenetic location: 7q34.
Variant type: single nucleotide variant.
Coding change: c.414C>G on transcript NM_001061.7 (MANE Select); coding-DNA position 414, C replaced by G.
Protein change: p.Ala138=; no amino-acid change (alanine 138 retained).
Molecular consequence: synonymous variant.
Genome position (GRCh38, 1-based): chr7:139,936,271, C>G. VCF-style: chr7-139936271-C-G. GRCh37 (hg19) VCF-style: chr7-139636070-C-G.
Other names: c.417C>G (NM_001061.4); c.414C>G, p.Ala138= (NM_001130966.5, NM_001166253.4, NM_030984.6); c.213C>G, p.Ala71= (NM_001166254.4); c.357C>G, p.Ala119= (NM_001314028.4); c.231C>G, p.Ala77= (NM_001366537.3).
Identifiers: ClinVar variation 1625639 (VCV001625639.11), dbSNP rs369644265, ClinGen allele CA4511631.